The following is an entry in ClinVar:

ClinVar aggregate classification (germline): Likely benign. Review status: criteria provided, multiple submitters, no conflicts (2 of 4 stars). 3 submissions from 3 submitters: Likely benign (3). Last evaluated 2026-01-28.

Allele frequency attached by ClinVar (database versions not stated): gnomAD exomes 0.00002 and 0.00005; TOPMed 0.00002; ExAC 0.00003; gnomAD 0.00003.
gnomAD v4.1: 84 of 1,613,052 alleles (0.0052%); highest among the groups gnomAD compares: Non-Finnish European, 0.0062%; no homozygotes.

Submissions (3):

Labcorp Genetics (formerly Invitae), Labcorp
Classification: Likely benign. Last evaluated: 2026-01-28. Review status: criteria provided, single submitter. Criteria: Invitae Variant Classification Sherloc (09022015). Collection method: clinical testing. Allele origin: germline.

Blueprint Genetics
Classification: Likely benign. Last evaluated: 2021-09-14. Review status: criteria provided, single submitter. Criteria: ACMG Guidelines, 2015. Collection method: clinical testing. Allele origin: germline.

GeneDx
Classification: Likely benign. Last evaluated: 2016-07-22. Review status: criteria provided, single submitter. Criteria: GeneDx Variant Classification (06012015). Collection method: clinical testing. Allele origin: germline. Affected: yes.
Comment: This variant is considered likely benign or benign based on one or more of the following criteria: it is a conservative change, it occurs at a poorly conserved position in the protein, it is predicted to be benign by multiple in silico algorithms, and/or has population frequency not consistent with disease.

NM_024407.5(NDUFS7):c.369C>T (p.Ala123=)

Gene: NDUFS7 (NADH:ubiquinone oxidoreductase core subunit S7; plus strand). Cytogenetic location: 19p13.3.
Variant type: single nucleotide variant.
Coding change: c.369C>T on transcript NM_024407.5 (MANE Select); coding-DNA position 369, C replaced by T.
Protein change: p.Ala123=; no amino-acid change (alanine 123 retained).
Molecular consequence: synonymous variant.
Genome position (GRCh38, 1-based): chr19:1,391,011, C>T. VCF-style: chr19-1391011-C-T. GRCh37 (hg19) VCF-style: chr19-1391010-C-T.
Other names: c.369C>T, p.Ala123= (NM_001363602.2).
Identifiers: ClinVar variation 378257 (VCV000378257.6), dbSNP rs748471815, ClinGen allele CA9043343.